The following is an entry in ClinVar:

ClinVar aggregate classification (germline): Uncertain significance. Review status: criteria provided, multiple submitters, no conflicts (2 of 4 stars). 4 submissions from 4 submitters: Uncertain significance (3). 1 of the submissions does not count toward it. Last evaluated 2025-02-28.

Conditions:
Premature ovarian failure 15. Identifiers: MedGen C4748170, MONDO:0054862, OMIM 618096.
Spermatogenic failure 28. Identifiers: MedGen C4748117, MONDO:0054732, OMIM 618086.
Fanconi anemia (FA). Also called: Fanconi's anemia. Identifiers: Orphanet 84, MedGen C0015625, MeSH D005199, MONDO:0019391.

Allele frequency attached by ClinVar (database versions not stated): ExAC 0.00001; gnomAD exomes 0.00001; TOPMed 0.00002; gnomAD 0.00003 and 0.00004; ESP Exome Variant Server 0.00008.
gnomAD v4.1: 11 of 1,613,708 alleles (0.00068%); highest among the groups gnomAD compares: African/African-American, 0.0013%; no homozygotes.

Submissions (4):

GeneDx
Classification: Uncertain significance. Last evaluated: 2025-02-28. Review status: criteria provided, single submitter. Criteria: GeneDx Variant Classification Process June 2021. Collection method: clinical testing. Allele origin: germline. Affected: yes.
Comment: Observed in an individual with primary ovarian insufficiency (PMID: 36099812); In silico analysis supports that this missense variant has a deleterious effect on protein structure/function; This variant is associated with the following publications: (PMID: 36099812)

Labcorp Genetics (formerly Invitae), Labcorp
Classification: Uncertain significance for Fanconi anemia. Last evaluated: 2023-08-17. Review status: criteria provided, single submitter. Criteria: Invitae Variant Classification Sherloc (09022015). Collection method: clinical testing. Allele origin: germline.
Comment: In summary, the available evidence is currently insufficient to determine the role of this variant in disease. Therefore, it has been classified as a Variant of Uncertain Significance. An algorithm developed to predict the effect of missense changes on protein structure and function (PolyPhen-2) suggests that this variant is likely to be disruptive. ClinVar contains an entry for this variant (Variation ID: 1310966). This variant has not been reported in the literature in individuals affected with FANCM-related conditions. This variant is present in population databases (rs146291619, gnomAD 0.007%). This sequence change replaces glycine, which is neutral and non-polar, with serine, which is neutral and polar, at codon 510 of the FANCM protein (p.Gly510Ser).

Fulgent Genetics
Classification: Uncertain significance for Spermatogenic failure 28; Premature ovarian failure 15. Last evaluated: 2022-04-05. Review status: criteria provided, single submitter. Criteria: ACMG Guidelines, 2015. Collection method: clinical testing. Allele origin: unknown.

OMIM
Classification: Pathogenic for PREMATURE OVARIAN FAILURE 15. Last evaluated: 2024-07-23. Review status: no assertion criteria provided. Collection method: literature only. Allele origin: germline. Not counted in ClinVar's aggregate classification.

Literature cited by the submitters: PubMed 36099812 (cited by OMIM).

NM_020937.4(FANCM):c.1528G>A (p.Gly510Ser)

Gene: FANCM (FA complementation group M; plus strand). Cytogenetic location: 14q21.2.
Variant type: single nucleotide variant.
Coding change: c.1528G>A on transcript NM_020937.4 (MANE Select); coding-DNA position 1528, G replaced by A.
Protein change: p.Gly510Ser; replaces glycine 510 with serine.
Molecular consequence: missense variant.
Genome position (GRCh38, 1-based): chr14:45,159,227, G>A. VCF-style: chr14-45159227-G-A. GRCh37 (hg19) VCF-style: chr14-45628430-G-A.
Other names: c.1450G>A, p.Gly484Ser (NM_001308133.2); c.1528G>A, p.Gly510Ser (NM_001308134.2); short protein forms G484S, G510S.
Identifiers: ClinVar variation 1310966 (VCV001310966.11), dbSNP rs146291619, ClinGen allele CA7169070.
Genomic context (GRCh38, chr14:45,159,227, plus strand): 5'-CAAGAAATTGCAGAAATGCTTTCACAGCATCAGCCAATTATTAGAGTAATGACTTTTGTC[G>A]GCCATGCCTCAGGGAAAAGCACGAAGGGTTTTACCCAGAAGGAGCAACTGGAGGTAATTA-3'
Protein context (NP_065988.1, residues 500-520): QPIIRVMTFV[Gly510Ser]HASGKSTKGF